The following is an entry in ClinVar:

ClinVar aggregate classification (germline): Uncertain significance (1 of 4 stars; one submission).

gnomAD v4.1: 1 of 1,613,994 alleles (0.000062%); highest among the groups gnomAD compares: African/African-American, 0.0013%; no homozygotes.

Submission:

GeneDx
Classification: Uncertain significance. Last evaluated: 2024-08-26. Review status: criteria provided, single submitter. Criteria: GeneDx Variant Classification Process June 2021. Collection method: clinical testing. Allele origin: germline. Affected: yes.
Comment: Not observed at significant frequency in large population cohorts (gnomAD); In silico analysis supports that this missense variant has a deleterious effect on protein structure/function; Has not been previously published as pathogenic or benign to our knowledge

NM_001145358.2(SIN3A):c.1673A>G (p.Tyr558Cys)

Gene: SIN3A (SIN3 transcription regulator family member A; minus strand). Cytogenetic location: 15q24.2.
Variant type: single nucleotide variant.
Coding change: c.1673A>G on transcript NM_001145358.2 (MANE Select); coding-DNA position 1673, A replaced by G.
Protein change: p.Tyr558Cys; replaces tyrosine 558 with cysteine.
Molecular consequence: missense variant.
Genome position (GRCh38, 1-based): chr15:75,400,794, T>C on the plus strand (A>G on the coding strand, the complement: SIN3A is on the minus strand). VCF-style: chr15-75400794-T-C. GRCh37 (hg19) VCF-style: chr15-75693135-T-C.
Other names: c.1673A>G, p.Tyr558Cys (NM_001145357.2, NM_015477.3); short protein forms Y558C.
Identifiers: ClinVar variation 3766325 (VCV003766325.1).